The following is an entry in ClinVar:

ClinVar aggregate classification (germline): Conflicting classifications of pathogenicity. Review status: criteria provided, conflicting classifications (1 of 4 stars). 2 submissions from 2 submitters: Uncertain significance (1); Likely benign (1). Last evaluated 2024-06-07.

Conditions:
Familial cancer of breast. Also called: BREAST CANCER, FAMILIAL; Hereditary breast cancer; hereditary breast carcinoma. Identifiers: Orphanet 227535, MedGen C0346153, MONDO:0016419, OMIM 114480. Disease mechanism: loss of function.
Hereditary cancer-predisposing syndrome. Also called: Neoplastic Syndromes, Hereditary; Hereditary neoplastic syndrome; Tumor predisposition; Hereditary Cancer Syndrome. Identifiers: Orphanet 140162, MedGen C0027672, MeSH D009386, MONDO:0015356.

Submissions (2):

Ambry Genetics
Classification: Likely benign for Hereditary cancer-predisposing syndrome. Last evaluated: 2024-06-07. Review status: criteria provided, single submitter. Criteria: Ambry Variant Classification Scheme 2023. Collection method: clinical testing. Allele origin: germline.

Labcorp Genetics (formerly Invitae), Labcorp
Classification: Uncertain significance for Familial cancer of breast. Last evaluated: 2024-02-22. Review status: criteria provided, single submitter. Criteria: Invitae Variant Classification Sherloc (09022015). Collection method: clinical testing. Allele origin: germline.
Comment: This sequence change replaces glycine, which is neutral and non-polar, with aspartic acid, which is acidic and polar, at codon 374 of the BARD1 protein (p.Gly374Asp). This variant is not present in population databases (gnomAD no frequency). This variant has not been reported in the literature in individuals affected with BARD1-related conditions. Algorithms developed to predict the effect of missense changes on protein structure and function output the following: SIFT: "Not Available"; PolyPhen-2: "Benign"; Align-GVGD: "Not Available". The aspartic acid amino acid residue is found in multiple mammalian species, which suggests that this missense change does not adversely affect protein function. In summary, the available evidence is currently insufficient to determine the role of this variant in disease. Therefore, it has been classified as a Variant of Uncertain Significance.

NM_000465.4(BARD1):c.1121G>A (p.Gly374Asp)

Gene: BARD1 (BRCA1 associated RING domain 1; minus strand). Cytogenetic location: 2q35.
Variant type: single nucleotide variant.
Coding change: c.1121G>A on transcript NM_000465.4 (MANE Select); coding-DNA position 1121, G replaced by A.
Protein change: p.Gly374Asp; replaces glycine 374 with aspartic acid.
Molecular consequence: missense variant. On other transcripts: non-coding transcript variant (2), intron variant (3).
Genome position (GRCh38, 1-based): chr2:214,780,753, C>T on the plus strand (G>A on the coding strand, the complement: BARD1 is on the minus strand). VCF-style: chr2-214780753-C-T. GRCh37 (hg19) VCF-style: chr2-215645477-C-T.
Other names: c.1121G>A (NM_000465.2); c.1064G>A, p.Gly355Asp (NM_001282543.2); c.159-28198G>A (NM_001282548.2); c.215+16308G>A (NM_001282545.2); c.364+11544G>A (NM_001282549.2); short protein forms G374D, G355D.
Identifiers: ClinVar variation 2896160 (VCV002896160.4), dbSNP rs2106108582, ClinGen allele CA350454016.
Genomic context (GRCh38, chr2:214,780,753, plus strand): 5'-GTACCTGGTGAAAGACTAATGAATTCATCGGACATGTTACTGTTTTTCCTCCCTGATGTA[C>T]CACCAACTTTACGTTTGCATGAAGGTGGTGAAGAACATTCAGGCAATGGTATATTTTCTG-3'
Protein context (NP_000456.2, residues 364-384): SPPSCKRKVG[Gly374Asp]TSGRKNSNMS